The following is an entry in ClinVar:

ClinVar aggregate classification (germline): Pathogenic (1 of 4 stars; one submission).

Submission:

ISCA site 15
Classification: Pathogenic. Last evaluated: 2011-08-12. Review status: criteria provided, single submitter. Criteria: Kaminsky et al. (Genet Med. 2011). Collection method: clinical testing. Allele origin: maternal. Affected: yes. Observed: 1 variant allele.
Comment: Copy number variation identified through the course of routine clinical cytogenomic testing in postnatal populations. Clinical assertions have been curated as described in Kaminsky et al. 2011.

GRCh38/hg38 17p13.3(chr17:234496-2385512)x3

Genes: ABR (ABR activator of RhoGEF and GTPase; minus strand), ABR-AS1 (ABR antisense RNA 1; plus strand), BHLHA9 (basic helix-loop-helix family member a9; plus strand), CRK (CRK proto-oncogene, adaptor protein; minus strand), CRK-AS1 (CRK antisense RNA 1; plus strand) and 177 more. Cytogenetic location: 17p13.3.
Variant type: copy number gain.
Change: copy number 3 (three copies instead of two) of chr17:234,496-2,385,512 (2.15 Mb, GRCh38 coordinates, 1-based), cytogenetic band 17p13.3.
Identifiers: ClinVar variation 58652 (VCV000058652.1).